The following is an entry in ClinVar:

ClinVar aggregate classification (germline): Pathogenic/Likely pathogenic. Review status: criteria provided, multiple submitters, no conflicts (2 of 4 stars). 2 submissions from 2 submitters: Pathogenic (1); Likely pathogenic (1). Last evaluated 2025-09-05.

Conditions:
Leber congenital amaurosis (LCA). Also called: Leber's amaurosis. Identifiers: Orphanet 65, MedGen C0339527, MeSH D057130, MONDO:0018998.
TULP1-related disorder. Also called: TULP1-related condition; TULP1-related disorders.

Allele frequency attached by ClinVar (database versions not stated): ExAC 0.00002; gnomAD exomes 0.00002.
gnomAD v4.1: 4 of 1,612,936 alleles (0.00025%); highest among the groups gnomAD compares: East Asian, 0.0022%; no homozygotes.

Submissions (2):

Women's Health and Genetics/Laboratory Corporation of America, LabCorp
Classification: Likely pathogenic for Leber congenital amaurosis. Last evaluated: 2025-09-05. Review status: criteria provided, single submitter. Criteria: LabCorp Variant Classification Summary - May 2015. Collection method: clinical testing. Allele origin: germline.
Comment: Variant summary: TULP1 c.1153G>A (p.Gly385Arg) results in a non-conservative amino acid change in the encoded protein sequence. Algorithms developed to predict the effect of missense changes on protein structure and function all suggest that this variant is likely to be disruptive. The variant allele was found at a frequency of 1.6e-05 in 249230 control chromosomes. c.1153G>A has been observed in the compound heterozygous and homozygous states in individuals affected with Leber congenital amaurosis and retinitis pigmentosa (Huang_2018, Wang_2015, Areblom_2023, Suga_2022). These data indicate that the variant is likely to be associated with disease. To our knowledge, no experimental evidence demonstrating an impact on protein function has been reported. The following publications have been ascertained in the context of this evaluation (PMID: 37510321, 29641573, 36284460, 26047050). ClinVar contains an entry for this variant (Variation ID: 866359). Based on the evidence outlined above, the variant was classified as likely pathogenic.

Blueprint Genetics
Classification: Pathogenic for TULP1-related disorders. Last evaluated: 2019-05-25. Review status: criteria provided, single submitter. Criteria: ACMG Guidelines, 2015. Collection method: clinical testing. Allele origin: germline. Affected: yes. Observed: 2 variant alleles.

Literature cited by the submitters: PubMed 26047050 (cited by Women's Health and Genetics/Laboratory Corporation of America, LabCorp); PubMed 29641573 (cited by Women's Health and Genetics/Laboratory Corporation of America, LabCorp); PubMed 36284460 (cited by Women's Health and Genetics/Laboratory Corporation of America, LabCorp); PubMed 37510321 (cited by Women's Health and Genetics/Laboratory Corporation of America, LabCorp).

NM_003322.6(TULP1):c.1153G>A (p.Gly385Arg)

Gene: TULP1 (TUB like protein 1; minus strand). Cytogenetic location: 6p21.31.
Variant type: single nucleotide variant.
Coding change: c.1153G>A on transcript NM_003322.6 (MANE Select); coding-DNA position 1153, G replaced by A.
Protein change: p.Gly385Arg; replaces glycine 385 with arginine.
Molecular consequence: missense variant.
Genome position (GRCh38, 1-based): chr6:35,503,808, C>T on the plus strand (G>A on the coding strand, the complement: TULP1 is on the minus strand). VCF-style: chr6-35503808-C-T. GRCh37 (hg19) VCF-style: chr6-35471585-C-T.
Other names: c.994G>A, p.Gly332Arg (NM_001289395.2); short protein forms G385R, G332R.
Identifiers: ClinVar variation 866359 (VCV000866359.3), dbSNP rs766181526, ClinGen allele CA3772637.